The following is an entry in ClinVar:

NM_000047.3(ARSL):c.430+1G>T

Gene: ARSL (arylsulfatase L; minus strand). Cytogenetic location: Xp22.33.
Variant type: single nucleotide variant.
Coding change: c.430+1G>T on transcript NM_000047.3 (MANE Select); the canonical splice donor site of the intron after coding-DNA position 430, G replaced by T.
Molecular consequence: splice donor variant.
Genome position (GRCh38, 1-based): chrX:2,953,142, C>A on the plus strand (G>T on the coding strand, the complement: ARSL is on the minus strand). VCF-style: chrX-2953142-C-A. GRCh37 (hg19) VCF-style: chrX-2871183-C-A.
Other names: NC_000023.10:g.2871183C>A; c.505+1G>T (NM_001282628.2, NM_001369080.1); c.268+1G>T (NM_001282631.2, NM_001440750.1); c.457+1G>T (NM_001369079.1); c.430+1G>T (NM_001440751.1).
Identifiers: ClinVar variation 4486474 (VCV004486474.2).
Genomic context (GRCh38, chrX:2,953,142, plus strand): 5'-TTAGCTGAATGTCCCTTCCATATAAAAGTCATGTGCTTACCACTTTTAAAAACGTACATA[C>A]CAATGAGTCCAGTGGCATAGCCTTTCTCTTTCAGTATTTTTGCAAAAGTTGTCTCATTTG-3'

ClinVar aggregate classification (germline): Uncertain significance (1 of 4 stars; one submission).

Conditions:
X-linked chondrodysplasia punctata 1 (CDPX1). Also called: CHONDRODYSPLASIA PUNCTATA, BRACHYTELEPHALANGIC; Chondrodysplasia punctata, X-linked recessive. Identifiers: Orphanet 79345, MedGen C3669395, MONDO:0010555, OMIM 302950.

Submissions (2):

Juno Genomics, Hangzhou Juno Genomics, Inc
Classification: Uncertain significance for X-linked chondrodysplasia punctata 1. Review status: criteria provided, single submitter. Criteria: ACMG Guidelines, 2015. Collection method: clinical testing. Allele origin: germline. Affected: yes.
Comment: Absent from controls (or at extremely low frequency if recessive) in Genome Aggregation Database, Exome Sequencing Project, 1000 Genomes Project, or Exome Aggregation Consortium.;Null variant in a gene where loss of function (LOF) is a known mechanism of disease.

Dr. Peter K. Rogan Lab, Western University
No classification provided (evidence only). Condition: Thyroid cancer, nonmedullary, 1. Review status: no classification provided. Collection method: in vitro. Allele origin: not applicable. Functional consequence: retained intron. Not counted in ClinVar's aggregate classification.